The following is an entry in ClinVar:

NM_000186.4(CFH):c.1310C>A (p.Ser437Tyr)

Gene: CFH (complement factor H; plus strand). Cytogenetic location: 1q31.3.
Variant type: single nucleotide variant.
Coding change: c.1310C>A on transcript NM_000186.4 (MANE Select); coding-DNA position 1310, C replaced by A.
Protein change: p.Ser437Tyr; replaces serine 437 with tyrosine.
Molecular consequence: missense variant.
Genome position (GRCh38, 1-based): chr1:196,690,213, C>A. VCF-style: chr1-196690213-C-A. GRCh37 (hg19) VCF-style: chr1-196659343-C-A.
Other names: c.1310C>A, p.Ser437Tyr (NM_001014975.3); short protein forms S437Y.
Identifiers: ClinVar variation 1495479 (VCV001495479.7), dbSNP rs200644601, ClinGen allele CA35824900.
Genomic context (GRCh38, chr1:196,690,213, plus strand): 5'-ATCCTGGCTACGCTCTTCCAAAAGCGCAGACCACAGTTACATGTATGGAGAATGGCTGGT[C>A]TCCTACTCCCAGATGCATCCGTGTCAGTAAGTACACTACTCTGAAATCCTAGCATGTTCA-3'
Protein context (NP_000177.2, residues 427-447): TTVTCMENGW[Ser437Tyr]PTPRCIRVKT

ClinVar aggregate classification (germline): Uncertain significance. Review status: criteria provided, multiple submitters, no conflicts (2 of 4 stars). 2 submissions from 2 submitters: Uncertain significance (2). Last evaluated 2025-10-02.

Conditions:
Age related macular degeneration 4. Identifiers: MedGen C1853147, MONDO:0012540, OMIM 610698.

Allele frequency attached by ClinVar (database versions not stated): gnomAD 0.00001; 1000 Genomes Project 30x 0.00016; 1000 Genomes Project 0.00020.
gnomAD v4.1: 2 of 1,613,352 alleles (0.00012%); highest among the groups gnomAD compares: East Asian, 0.0045%; no homozygotes.

Submissions (2):

Genomenon, Inc
Classification: Uncertain significance for Age related macular degeneration 4. Last evaluated: 2025-10-02. Review status: criteria provided, single submitter. Criteria: Genomenon Sequence Variant Interpretation Standards - Updated. Collection method: curation. Allele origin: germline. Affected: yes.
Comment: CFH p.Ser437Tyr (c.1310C>A) is a missense variant that changes the amino acid at residue 437 from Serine to Tyrosine. This variant has been observed in at least one proband affected with age-related macular degeneration (PMID:18421087). It is absent or not present at a significant frequency in gnomAD. In silico models agree that this variant is not damaging. In conclusion, we classify CFH p.Ser437Tyr (c.1310C>A) as a variant of uncertain significance.

Labcorp Genetics (formerly Invitae), Labcorp
Classification: Uncertain significance. Last evaluated: 2022-12-29. Review status: criteria provided, single submitter. Criteria: Invitae Variant Classification Sherloc (09022015). Collection method: clinical testing. Allele origin: germline.
Comment: In summary, the available evidence is currently insufficient to determine the role of this variant in disease. Therefore, it has been classified as a Variant of Uncertain Significance. Algorithms developed to predict the effect of missense changes on protein structure and function output the following: SIFT: "Deleterious"; PolyPhen-2: "Possibly Damaging"; Align-GVGD: "Class C0". The tyrosine amino acid residue is found in multiple mammalian species, which suggests that this missense change does not adversely affect protein function. ClinVar contains an entry for this variant (Variation ID: 1495479). This variant has not been reported in the literature in individuals affected with CFH-related conditions. This variant is not present in population databases (gnomAD no frequency). This sequence change replaces serine, which is neutral and polar, with tyrosine, which is neutral and polar, at codon 437 of the CFH protein (p.Ser437Tyr).

Literature cited by the submitters: PubMed 18421087 (cited by Genomenon, Inc).